The following continues an entry in ClinVar:

NM_000059.4(BRCA2):c.1238del (p.Leu413fs)

Gene: BRCA2. ClinVar aggregate classification (germline): Pathogenic. Pathogenic (1).

Submissions 12 to 19 of 19:

Revvity Omics, Revvity
Classification: Pathogenic. Last evaluated: 2021-05-24. Review status: criteria provided, single submitter. Criteria: ACMG Guidelines, 2015. Collection method: clinical testing. Allele origin: germline. Not counted in ClinVar's aggregate classification.

Institute of Medical Genetics and Applied Genomics, University Hospital Tübingen
Classification: Pathogenic. Last evaluated: 2020-10-23. Review status: criteria provided, single submitter. Criteria: ACMG Guidelines, 2015. Collection method: clinical testing. Allele origin: germline. Inheritance: Unknown mechanism. Affected: yes. Not counted in ClinVar's aggregate classification.

Illumina Laboratory Services, Illumina
Classification: Pathogenic for BRCA2-Related Disorders. Last evaluated: 2019-01-13. Review status: criteria provided, single submitter. Criteria: ICSL Variant Classification Criteria 09 May 2019. Collection method: clinical testing. Allele origin: germline. Not counted in ClinVar's aggregate classification.
Comment: The BRCA2 c.1238delT (p.Leu413HisfsTer17) variant results in a frameshift, and is predicted to result in premature termination of the protein. The p.Leu413HisfsTer17 has been reported in eight studies in which it has been identified in a heterozygous state in at least 11 individuals with hereditary cancer, either breast cancer, breast cancer and ovarian cancer or ovarian cancer alone (Capalbo et al. 2006; Giannini et al. 2006; Caux-Moncoutier et al. 2011; Concolino et al.2014; Coppa et al. 2014; Minucci 2015; Manie et al. 2016; Palmero et al. 2018). The variant is reported at a frequency of 0.000009 in the European (non-Finnish) population from the Genome Aggregation Database but this is based on one allele in a region of good sequencing coverage, so the variant is presumed to be rare. Although the c.3201+1G>C variant has not been reported in the literature in individuals with Fanconi anemia, it cannot be ruled out of causing this condition based on allele frequency in consideration of condition penetrance and prevalence estimates. Based on the evidence and the potential impact of frameshift variants, the BRCA2 p.Leu413HisfsTer17 variant is classified as pathogenic for hereditary breast and ovarian cancer. This variant was observed by ICSL as part of a predisposition screen in an ostensibly healthy population.

Consortium of Investigators of Modifiers of BRCA1/2 (CIMBA), c/o University of Cambridge
Classification: Pathogenic for Breast-ovarian cancer, familial, susceptibility to, 2. Last evaluated: 2015-10-02. Review status: criteria provided, single submitter. Criteria: CIMBA Mutation Classification guidelines May 2016. Collection method: clinical testing. Allele origin: germline. Not counted in ClinVar's aggregate classification.

Institute for Medical Genetics and Human Genetics, Charité - Universitätsmedizin Berlin
Classification: Pathogenic for Fanconi anemia complementation group D1. Review status: criteria provided, single submitter. Criteria: ACMG Guidelines, 2015. Collection method: not provided. Allele origin: germline. Inheritance: Autosomal recessive inheritance. Affected: yes. Not counted in ClinVar's aggregate classification.

Research Molecular Genetics Laboratory, Women's College Hospital, University of Toronto
Classification: Pathogenic for Hereditary breast ovarian cancer syndrome. Last evaluated: 2014-01-31. Review status: no assertion criteria provided. Collection method: research. Allele origin: germline. Affected: yes. Study: The Canadian Open Genetics Repository (COGR). Not counted in ClinVar's aggregate classification.

Sharing Clinical Reports Project (SCRP)
Classification: Pathogenic for Breast-ovarian cancer, familial 2. Last evaluated: 2014-01-06. Review status: no assertion criteria provided. Collection method: clinical testing. Allele origin: germline. Not counted in ClinVar's aggregate classification.

Breast Cancer Information Core (BIC) (BRCA2)
Classification: Pathogenic for Breast-ovarian cancer, familial 2. Last evaluated: 2002-05-29. Review status: no assertion criteria provided. Collection method: clinical testing. Allele origin: germline. Affected: yes. Observed: 6 variant alleles. Not counted in ClinVar's aggregate classification.

Literature cited by the submitters: PubMed 20104584 (cited by Labcorp Genetics (formerly Invitae), Labcorp); PubMed 16760289 (cited by 6 submitters); PubMed 21120943 (cited by 6 submitters); PubMed 26306726 (cited by 5 submitters); PubMed 26317927 (cited by 4 submitters); PubMed 32365798 (cited by 3 submitters); PubMed 32438681 (cited by Mayo Clinic Laboratories, Mayo Clinic and Quest Diagnostics Nichols Institute San Juan Capistrano); PubMed 32854451 (cited by 3 submitters); PubMed 36292577 (cited by Mayo Clinic Laboratories, Mayo Clinic and Quest Diagnostics Nichols Institute San Juan Capistrano); PubMed 36980738 (cited by Mayo Clinic Laboratories, Mayo Clinic); PubMed 16847550 (cited by 5 submitters); PubMed 32380732 (cited by 3 submitters); PubMed 18092194 (cited by Color Diagnostics, LLC DBA Color Health); PubMed 25395318 (cited by 3 submitters); PubMed 27062684 (cited by Color Diagnostics, LLC DBA Color Health and Department of Pathology and Laboratory Medicine, Sinai Health System); PubMed 27153395 (cited by Color Diagnostics, LLC DBA Color Health); PubMed 31336956 (cited by 3 submitters); PubMed 29446198 (cited by Quest Diagnostics Nichols Institute San Juan Capistrano); PubMed 33471991 (cited by Quest Diagnostics Nichols Institute San Juan Capistrano); PubMed 21702907 (cited by Quest Diagnostics Nichols Institute San Juan Capistrano and Women's Health and Genetics/Laboratory Corporation of America, LabCorp); PubMed 24065114 (cited by Quest Diagnostics Nichols Institute San Juan Capistrano and Women's Health and Genetics/Laboratory Corporation of America, LabCorp); PubMed 25007954 (cited by Quest Diagnostics Nichols Institute San Juan Capistrano and Illumina Laboratory Services, Illumina); PubMed 29907814 (cited by 3 submitters); PubMed 32058061 (cited by Quest Diagnostics Nichols Institute San Juan Capistrano); PubMed 32719484 (cited by Quest Diagnostics Nichols Institute San Juan Capistrano); PubMed 31794323 (cited by Quest Diagnostics Nichols Institute San Juan Capistrano).